The following is an entry in ClinVar:

NM_000548.5(TSC2):c.848+1G>A

Gene: TSC2 (TSC complex subunit 2; plus strand). Cytogenetic location: 16p13.3.
Variant type: single nucleotide variant.
Coding change: c.848+1G>A on transcript NM_000548.5 (MANE Select); the canonical splice donor site of the intron after coding-DNA position 848, G replaced by A.
Molecular consequence: splice donor variant.
Genome position (GRCh38, 1-based): chr16:2,057,179, G>A. VCF-style: chr16-2057179-G-A. GRCh37 (hg19) VCF-style: chr16-2107180-G-A.
Other names: c.248+1G>A (NM_001406686.1, NM_001406680.1, NM_001406683.1 and 6 more transcripts); c.881+1G>A (NM_001318832.2); c.-584+1G>A (NM_001406693.1, NM_001406689.1, NM_001406690.1 and 4 more transcripts); c.938+1G>A (NM_001406667.1, NM_001406668.1); c.-760+1G>A (NM_001406698.1); c.848+1G>A (NM_001114382.3, NM_001406663.1, NM_001406664.1 and 6 more transcripts); c.-465+1G>A (NM_001406694.1, NM_001406695.1); c.836+1G>A (NM_001406671.1, NM_001406673.1); and 4 more.
Identifiers: ClinVar variation 49922 (VCV000049922.5), dbSNP rs45466296, ClinGen allele CA023022.

ClinVar aggregate classification (germline): Pathogenic. Review status: criteria provided, multiple submitters, no conflicts (2 of 4 stars). 4 submissions from 4 submitters: Pathogenic (3). 1 of the submissions does not count toward it. Last evaluated 2021-11-07.

Conditions:
Tuberous sclerosis 2 (TSC2). Identifiers: Orphanet 805, MedGen C1860707, MONDO:0013199, OMIM 613254.
Tuberous sclerosis syndrome (TSC). Also called: Tuberous Sclerosis Complex; Tuberous sclerosis. Identifiers: Orphanet 805, MedGen C0041341, MONDO:0001734.

Submissions (4):

Genome-Nilou Lab
Classification: Pathogenic for Tuberous sclerosis 2. Last evaluated: 2021-11-07. Review status: criteria provided, single submitter. Criteria: ACMG Guidelines, 2015. Collection method: clinical testing. Allele origin: germline. Affected: no.

GeneDx
Classification: Pathogenic. Last evaluated: 2014-10-13. Review status: criteria provided, single submitter. Criteria: GeneDx Variant Classification (06012015). Collection method: clinical testing. Allele origin: germline. Affected: yes.
Comment: c.848+1 G>A: IVS9+1 G>A in intron 9 of the TSC2 gene (NM_000548.3) The c.848+1 G>A splice site mutation in the TSC2 gene has been reported previously in association with tuberous sclerosis complex (Au et al., 2007; TSC2 LOVD). This mutation destroys the canonical splice donor site in intron 9 and is expected to cause abnormal gene splicing. The variant is found in TUBSC-EPIV2 panel(s).

Athena Diagnostics
Classification: Pathogenic for Tuberous sclerosis 2. Last evaluated: 2013-06-27. Review status: criteria provided, single submitter. Criteria: Athena Diagnostics Criteria. Collection method: clinical testing. Allele origin: germline. Inheritance: Autosomal dominant inheritance.

Tuberous sclerosis database (TSC2)
No classification provided. Condition: TSC. Review status: no classification provided. Criteria: Tuberous Sclerosis Database Assertion Criteria 2015. Collection method: curation. Allele origin: germline. Affected: yes. Not counted in ClinVar's aggregate classification.

Literature cited by the submitters: PubMed 17304050 (cited by Athena Diagnostics).